The following is an entry in ClinVar:

ClinVar aggregate classification (germline): Benign/Likely benign. Review status: criteria provided, multiple submitters, no conflicts (2 of 4 stars). 11 submissions from 11 submitters: Benign (4); Likely benign (3). 4 of the submissions do not count toward it. Last evaluated 2026-02-02.

Conditions:
GFI1-related disorder. Also called: GFI1-related condition.
Nonimmune chronic idiopathic neutropenia of adults. Identifiers: Orphanet 2688, MedGen C1842930, MONDO:0011922, OMIM 607847.
Neutropenia, severe congenital, 2, autosomal dominant. Identifiers: Orphanet 486, MedGen C2751288, MONDO:0013139, OMIM 613107.

Submissions (11):

Labcorp Genetics (formerly Invitae), Labcorp
Classification: Benign for Neutropenia, severe congenital, 2, autosomal dominant. Last evaluated: 2026-02-02. Review status: criteria provided, single submitter. Criteria: Invitae Variant Classification Sherloc (09022015). Collection method: clinical testing. Allele origin: germline.

Women's Health and Genetics/Laboratory Corporation of America, LabCorp
Classification: Likely benign. Last evaluated: 2026-01-28. Review status: criteria provided, single submitter. Criteria: LabCorp Variant Classification Summary - May 2015. Collection method: clinical testing. Allele origin: germline.
Comment: Variant summary: GFI1 c.925-6_925-5dupCT alters a nucleotide located at a position not widely known to affect splicing. Consensus agreement among computation tools predict no significant impact on normal splicing. However, these predictions have yet to be confirmed by functional studies. The variant was absent in 129388 control chromosomes. The available data on variant occurrences in the general population are insufficient to allow any conclusion about variant significance. To our knowledge, no occurrence of c.925-6_925-5dupCT in individuals affected with GFI1-related conditions and no experimental evidence demonstrating its impact on protein function have been reported. ClinVar contains an entry for this variant (Variation ID: 402897). Based on the evidence outlined above, the variant was classified as likely benign.

Laboratory of Genetics, Children's Clinical University Hospital Latvia
Classification: Benign. Last evaluated: 2025-02-16. Review status: criteria provided, single submitter. Criteria: ACMG Guidelines, 2015. Collection method: clinical testing. Allele origin: germline. Affected: yes.

Blueprint Genetics
Classification: Likely benign. Last evaluated: 2024-11-26. Review status: criteria provided, single submitter. Criteria: ACMG Guidelines, 2015. Collection method: clinical testing. Allele origin: germline.

Mayo Clinic Laboratories, Mayo Clinic
Classification: Benign. Last evaluated: 2024-05-17. Review status: criteria provided, single submitter. Criteria: ACMG Guidelines, 2015. Collection method: clinical testing. Allele origin: germline. Observed: 82 variant alleles.
Comment: BS1, BS2, BP4, BP7

Fulgent Genetics
Classification: Likely benign for Nonimmune chronic idiopathic neutropenia of adults; Neutropenia, severe congenital, 2, autosomal dominant. Last evaluated: 2021-08-24. Review status: criteria provided, single submitter. Criteria: ACMG Guidelines, 2015. Collection method: clinical testing. Allele origin: unknown.

Laboratory for Molecular Medicine, Mass General Brigham Personalized Medicine
Classification: Benign. Last evaluated: 2016-03-29. Review status: criteria provided, single submitter. Criteria: LMM Criteria. Collection method: clinical testing. Allele origin: germline.
Comment: Variant identified in a genome or exome case(s) and assessed due to predicted null impact of the variant or pathogenic assertions in the literature or databases. Disclaimer: This variant has not undergone full assessment. The following are preliminary notes: Frequency

PreventionGenetics, part of Exact Sciences
Classification: Likely benign for GFI1-related condition. Last evaluated: 2019-07-12. Review status: no assertion criteria provided. Collection method: clinical testing. Allele origin: germline. Not counted in ClinVar's aggregate classification.
Comment: This variant is classified as likely benign based on ACMG/AMP sequence variant interpretation guidelines (Richards et al. 2015 PMID: 25741868, with internal and published modifications).

Clinical Genetics DNA and cytogenetics Diagnostics Lab, Erasmus MC, Erasmus Medical Center
Classification: Benign. Review status: no assertion criteria provided. Collection method: clinical testing. Allele origin: germline. Affected: yes. Study: VKGL Data-share Consensus. Not counted in ClinVar's aggregate classification.

Diagnostic Laboratory, Department of Genetics, University Medical Center Groningen
Classification: Likely benign. Review status: no assertion criteria provided. Collection method: clinical testing. Allele origin: germline. Affected: yes. Study: VKGL Data-share Consensus. Not counted in ClinVar's aggregate classification.

Genome Diagnostics Laboratory, University Medical Center Utrecht
Classification: Likely benign. Review status: no assertion criteria provided. Collection method: clinical testing. Allele origin: germline. Affected: yes. Study: VKGL Data-share Consensus. Not counted in ClinVar's aggregate classification.

NM_005263.5(GFI1):c.925-40CT[19]

Gene: GFI1 (growth factor independent 1 transcriptional repressor; minus strand). Cytogenetic location: 1p22.1.
Variant type: Microsatellite.
Coding change: c.925-40CT[19] on transcript NM_005263.5 (MANE Select); 19 copies in a row of the 2-base unit CT starting at c.925-40; the reference has 18 copies in a row; one copy, 2 bases duplicated.
Molecular consequence: intron variant.
Genome position (GRCh38, 1-based): chr1:92,478,758-92,478,759, AG duplicated on the plus strand (CT on the coding strand, the reverse complement: GFI1 is on the minus strand); duplicating any 2 consecutive bases within chr1:92,478,758-92,478,794 gives the same sequence; the position shown is the placement nearest the transcript's 3' end. VCF-style (leftmost placement, unchanged base first): chr1-92478757-C-CAG. GRCh37 (hg19) VCF-style: chr1-92944314-C-CAG.
Other names: NM_005263.3:c.925-6_925-5dupCT; p.?; c.925-6_925-5dupCT (NM_005263.5); c.925-40CT[19] (NM_001127216.3, NM_001127215.3); c.925-6_925-5dup (NM_005263.5).
Identifiers: ClinVar variation 402897 (VCV000402897.24), dbSNP rs35896485, ClinGen allele CA951270.
Genomic context (GRCh38, chr1:92,478,757, plus strand): 5'-CAGTGTGGATGACCTCTTGAAGCTCTTCCCACAGATCTTACAGTCAAAGCTCCGTTCCTG[C>CAG]AGAGAGAGAGAGAGAGAGAGAGAGAGAGAGAGAGAGATGCAGAACTCCTACTGCAGTCAA-3'